The following is an entry in ClinVar:

NM_001184.4(ATR):c.1951T>G (p.Trp651Gly)

Gene: ATR (ATR checkpoint kinase; minus strand). Cytogenetic location: 3q23.
Variant type: single nucleotide variant.
Coding change: c.1951T>G on transcript NM_001184.4 (MANE Select); coding-DNA position 1951, T replaced by G.
Protein change: p.Trp651Gly; replaces tryptophan 651 with glycine.
Molecular consequence: missense variant.
Genome position (GRCh38, 1-based): chr3:142,556,510, A>C on the plus strand (T>G on the coding strand, the complement: ATR is on the minus strand). VCF-style: chr3-142556510-A-C. GRCh37 (hg19) VCF-style: chr3-142275352-A-C.
Other names: c.1759T>G, p.Trp587Gly (NM_001354579.2); c.1951T>G (NM_001184.3); short protein forms W587G, W651G.
Identifiers: ClinVar variation 2917601 (VCV002917601.2), dbSNP rs2473398896, ClinGen allele CA354819455.

ClinVar aggregate classification (germline): Uncertain significance. Review status: criteria provided, multiple submitters, no conflicts (2 of 4 stars). 2 submissions from 2 submitters: Uncertain significance (2). Last evaluated 2023-09-18.

Conditions:
Inborn genetic diseases. Identifiers: MedGen C0950123, MeSH D030342.

Submissions (2):

Ambry Genetics
Classification: Uncertain significance for Inborn genetic diseases. Last evaluated: 2023-09-18. Review status: criteria provided, single submitter. Criteria: Ambry Variant Classification Scheme 2023. Collection method: clinical testing. Allele origin: germline.
Comment: The p.W651G variant (also known as c.1951T>G), located in coding exon 9 of the ATR gene, results from a T to G substitution at nucleotide position 1951. The tryptophan at codon 651 is replaced by glycine, an amino acid with highly dissimilar properties. This amino acid position is conserved. In addition, this alteration is predicted to be deleterious by in silico analysis. Since supporting evidence is limited at this time, the clinical significance of this alteration remains unclear.

Labcorp Genetics (formerly Invitae), Labcorp
Classification: Uncertain significance. Last evaluated: 2023-07-29. Review status: criteria provided, single submitter. Criteria: Invitae Variant Classification Sherloc (09022015). Collection method: clinical testing. Allele origin: germline.
Comment: An algorithm developed to predict the effect of missense changes on protein structure and function (PolyPhen-2) suggests that this variant is likely to be disruptive. This sequence change replaces tryptophan, which is neutral and slightly polar, with glycine, which is neutral and non-polar, at codon 651 of the ATR protein (p.Trp651Gly). This variant is not present in population databases (gnomAD no frequency). This variant has not been reported in the literature in individuals affected with ATR-related conditions. In summary, the available evidence is currently insufficient to determine the role of this variant in disease. Therefore, it has been classified as a Variant of Uncertain Significance.